The following is an entry in ClinVar:

NM_001378414.1(HDAC4):c.3124_3125insT (p.Thr1042fs)

Gene: HDAC4 (histone deacetylase 4; minus strand). Cytogenetic location: 2q37.3.
Variant type: Insertion.
Coding change: c.3124_3125insT on transcript NM_001378414.1 (MANE Select); coding-DNA positions 3124 to 3125, T inserted.
Protein change: p.Thr1042fs; shifts the reading frame from threonine 1042.
Molecular consequence: frameshift variant.
Genome position: GRCh38 VCF-style: chr2-239053565-G-GA. GRCh37 (hg19) VCF-style: chr2-239975261-G-GA.
Other names: c.3124_3125insT, p.Thr1042fs (NM_001378415.1); c.3109_3110insT, p.Thr1037fs (NM_001378416.1, NM_001378417.1, NM_006037.4); short protein forms T1037fs, T1042fs.
Identifiers: ClinVar variation 453013 (VCV000453013.3), dbSNP rs1553599493, ClinGen allele CA658657260.

ClinVar aggregate classification (germline): Uncertain significance (1 of 4 stars; one submission).

Submission:

GeneDx
Classification: Uncertain significance. Last evaluated: 2020-07-09. Review status: criteria provided, single submitter. Criteria: GeneDx Variant Classification Process June 2021. Collection method: clinical testing. Allele origin: germline. Affected: yes.
Comment: Not observed in large population cohorts (Lek et al., 2016); Frameshift variant predicted to result in protein truncation as the last 48 amino acids are replaced with 38 different amino acids, although loss-of-function variants have not been reported downstream of this position in the protein; Has not been previously published as pathogenic or benign to our knowledge